The following is an entry in ClinVar:

NM_024529.5(CDC73):c.*1499T>A

Gene: CDC73 (cell division cycle 73; plus strand). Cytogenetic location: 1q31.2.
Variant type: single nucleotide variant.
Coding change: c.*1499T>A on transcript NM_024529.5 (MANE Select); 1499 bases downstream of the stop codon, T replaced by A.
Molecular consequence: 3 prime UTR variant.
Genome position (GRCh38, 1-based): chr1:193,252,211, T>A. VCF-style: chr1-193252211-T-A. GRCh37 (hg19) VCF-style: chr1-193221341-T-A.
Identifiers: ClinVar variation 294436 (VCV000294436.5), dbSNP rs138503809, ClinGen allele CA10609214.

ClinVar aggregate classification (germline): Conflicting classifications of pathogenicity. Review status: criteria provided, conflicting classifications (1 of 4 stars). 3 submissions from 1 submitter: Uncertain significance (1); Benign (2). Last evaluated 2018-01-12.

Conditions:
Hyperparathyroidism 1 (HRPT1). Also called: HYPERPARATHYROIDISM, FAMILIAL ISOLATED PRIMARY. Identifiers: Orphanet 99879, MedGen C1840402, MONDO:0007767, OMIM 145000.
Hyperparathyroidism 2 with jaw tumors. Also called: Hyperparathyroidism 2; HYPERPARATHYROIDISM, FAMILIAL PRIMARY, WITH MULTIPLE OSSIFYING JAW FIBROMAS; HYPERPARATHYROIDISM-JAW TUMOR SYNDROME, HEREDITARY; Hyperparathyroidism-Jaw Tumor Syndrome. Identifiers: Orphanet 99880, MedGen C1704981, MONDO:0007768, OMIM 145001.
Parathyroid carcinoma (PRTC). Also called: Parathyroid gland carcinoma; CDC73-Related Parathyroid Carcinoma. Identifiers: Orphanet 143, MedGen C0687150, MONDO:0012004, OMIM 608266, HP:0006780.

Allele frequency attached by ClinVar (database versions not stated): gnomAD 0.00009 and 0.00015; TOPMed 0.00023; 1000 Genomes Project 30x 0.00109; 1000 Genomes Project 0.00120; gnomAD exomes 0.00123.
gnomAD v4.1: 113 of 231,032 alleles (0.049%); highest among the groups gnomAD compares: East Asian, 0.68%; 1 homozygote.

Submissions (3):

Illumina Laboratory Services, Illumina
Classification: Benign for Hyperparathyroidism 2 with jaw tumors. Last evaluated: 2018-01-12. Review status: criteria provided, single submitter. Criteria: ICSL Variant Classification Criteria 13 December 2019. Collection method: clinical testing. Allele origin: germline.
Comment: This variant was observed in the ICSL laboratory as part of a predisposition screen in an ostensibly healthy population. It had not been previously curated by ICSL or reported in the Human Gene Mutation Database (HGMD: prior to June 1st, 2018), and was therefore a candidate for classification through an automated scoring system. Utilizing variant allele frequency, disease prevalence and penetrance estimates, and inheritance mode, an automated score was calculated to assess if this variant is too frequent to cause the disease. Based on the score and internal cut-off values, a variant classified as benign is not then subjected to further curation. The score for this variant resulted in a classification of benign for this disease.

Illumina Laboratory Services, Illumina
Classification: Benign for Parathyroid carcinoma. Last evaluated: 2018-01-12. Review status: criteria provided, single submitter. Criteria: ICSL Variant Classification Criteria 13 December 2019. Collection method: clinical testing. Allele origin: germline.
Comment: the same text as in the submission from Illumina Laboratory Services, Illumina above.

Illumina Laboratory Services, Illumina
Classification: Uncertain significance for Hyperparathyroidism 1. Last evaluated: 2018-01-12. Review status: criteria provided, single submitter. Criteria: ICSL Variant Classification Criteria 13 December 2019. Collection method: clinical testing. Allele origin: germline.